The following is an entry in ClinVar:

ClinVar aggregate classification (germline): Uncertain significance (1 of 4 stars; one submission).

Conditions:
Amyotrophic lateral sclerosis type 1 (ALS1). Also called: AMYOTROPHIC LATERAL SCLEROSIS 1, FAMILIAL. Identifiers: Orphanet 803, MedGen C1862939, MONDO:0007103, OMIM 105400.
Neuronopathy, distal hereditary motor, type 7B. Also called: HMN VIIB; LOWER MOTOR NEURON DISEASE, DYNACTIN TYPE; NEURONOPATHY, DISTAL HEREDITARY MOTOR, AUTOSOMAL DOMINANT 14; NEURONOPATHY, DISTAL HEREDITARY MOTOR, HARDING TYPE VIIB; NEUROPATHY, DISTAL HEREDITARY MOTOR, HARDING TYPE VIIB; NEUROPATHY, DISTAL HEREDITARY MOTOR, WITH VOCAL CORD PARALYSIS, HARDING TYPE VIIB. Identifiers: Orphanet 139589, MedGen C1843315, MONDO:0011879, OMIM 607641.
Perry syndrome. Also called: PARKINSONISM WITH ALVEOLAR HYPOVENTILATION AND MENTAL DEPRESSION. Identifiers: Orphanet 178509, MedGen C1868594, MONDO:0008201, OMIM 168605.

Submission:

Labcorp Genetics (formerly Invitae), Labcorp
Classification: Uncertain significance for Amyotrophic lateral sclerosis type 1; Neuronopathy, distal hereditary motor, type 7B; Perry syndrome. Last evaluated: 2024-02-01. Review status: criteria provided, single submitter. Criteria: Invitae Variant Classification Sherloc (09022015). Collection method: clinical testing. Allele origin: germline.
Comment: This sequence change creates a premature translational stop signal (p.Ser790Metfs*3) in the DCTN1 gene. It is expected to result in an absent or disrupted protein product. However, the current clinical and genetic evidence is not sufficient to establish whether loss-of-function variants in DCTN1 cause disease. This variant is not present in population databases (gnomAD no frequency). This variant has not been reported in the literature in individuals affected with DCTN1-related conditions. In summary, the available evidence is currently insufficient to determine the role of this variant in disease. Therefore, it has been classified as a Variant of Uncertain Significance.

NM_004082.5(DCTN1):c.2367_2368del (p.Ser790fs)

Gene: DCTN1 (dynactin subunit 1; minus strand). Cytogenetic location: 2p13.1.
Variant type: Deletion.
Coding change: c.2367_2368del on transcript NM_004082.5 (MANE Select); coding-DNA positions 2367 to 2368, 2 bases deleted (TT; older notation c.2367_2368delTT).
Protein change: p.Ser790fs; shifts the reading frame from serine 790.
Molecular consequence: frameshift variant. On other transcripts: non-coding transcript variant (1).
Genome position (GRCh38, 1-based): chr2:74,366,881-74,366,882, AA deleted on the plus strand (TT on the coding strand, the reverse complement: DCTN1 is on the minus strand). VCF-style (leftmost placement, unchanged base first): chr2-74366880-GAA-G. GRCh37 (hg19) VCF-style: chr2-74594007-GAA-G.
Other names: c.2307_2308del, p.Ser770fs (NM_001135040.3); c.1965_1966del, p.Ser656fs (NM_001135041.3, NM_023019.4); c.2256_2257del, p.Ser753fs (NM_001190836.2); c.2346_2347del, p.Ser783fs (NM_001190837.2); c.2316_2317del, p.Ser773fs (NM_001378991.1); c.2298_2299del, p.Ser767fs (NM_001378992.1); short protein forms S770fs, S783fs, S753fs, S656fs, S767fs, S773fs, S790fs.
Identifiers: ClinVar variation 2945461 (VCV002945461.3), dbSNP rs2529117811, ClinGen allele CA2740095654.